The following is an entry in ClinVar:

ClinVar aggregate classification (germline): Likely benign. Review status: criteria provided, multiple submitters, no conflicts (2 of 4 stars). 4 submissions from 4 submitters: Likely benign (2). 2 of the submissions do not count toward it. Last evaluated 2026-01-14.

Conditions:
BTD-related disorder. Also called: BTD-related condition.
Biotinidase deficiency. Also called: BTD deficiency; Late-onset biotin-responsive multiple carboxylase deficiency; Biotin deficiency. Identifiers: Orphanet 79241, MedGen C0220754, MONDO:0009665, OMIM 253260.

Allele frequency attached by ClinVar (database versions not stated): gnomAD exomes 0.00009; gnomAD 0.00010 and 0.00011; ExAC 0.00011; TOPMed 0.00011; ESP Exome Variant Server 0.00031.
gnomAD v4.1: 143 of 1,614,006 alleles (0.0089%); highest among the groups gnomAD compares: East Asian, 0.027%; no homozygotes.

Submissions (4):

Labcorp Genetics (formerly Invitae), Labcorp
Classification: Likely benign for Biotinidase deficiency. Last evaluated: 2026-01-14. Review status: criteria provided, single submitter. Criteria: Invitae Variant Classification Sherloc (09022015). Collection method: clinical testing. Allele origin: germline.

CeGaT Center for Human Genetics Tuebingen
Classification: Likely benign. Last evaluated: 2024-11-01. Review status: criteria provided, single submitter. Criteria: CeGaT Center For Human Genetics Tuebingen Variant Classification Criteria Version 2. Collection method: clinical testing. Allele origin: germline. Affected: yes. Observed: 1 variant allele.
Comment: BTD: BP4, BP7

Natera, Inc.
Classification: Likely benign for Biotinidase deficiency. Last evaluated: 2020-05-07. Review status: no assertion criteria provided. Collection method: clinical testing. Allele origin: germline. Not counted in ClinVar's aggregate classification.

PreventionGenetics, part of Exact Sciences
Classification: Likely benign for BTD-related condition. Last evaluated: 2019-02-21. Review status: no assertion criteria provided. Collection method: clinical testing. Allele origin: germline. Not counted in ClinVar's aggregate classification.
Comment: This variant is classified as likely benign based on ACMG/AMP sequence variant interpretation guidelines (Richards et al. 2015 PMID: 25741868, with internal and published modifications).

NM_001370658.1(BTD):c.603C>T (p.Phe201=)

Gene: BTD (biotinidase; plus strand). Cytogenetic location: 3p25.1.
Variant type: single nucleotide variant.
Coding change: c.603C>T on transcript NM_001370658.1 (MANE Select); coding-DNA position 603, C replaced by T.
Protein change: p.Phe201=; no amino-acid change (phenylalanine 201 retained).
Molecular consequence: synonymous variant. On other transcripts: intron variant (6).
Genome position (GRCh38, 1-based): chr3:15,644,519, C>T. VCF-style: chr3-15644519-C-T. GRCh37 (hg19) VCF-style: chr3-15686026-C-T.
Other names: c.663C>T, p.Phe221= (NM_000060.4); c.603C>T, p.Phe201= (NM_001281723.4, NM_001281724.3, NM_001281725.3 and 18 more transcripts); c.399+2462C>T (NM_001370753.1, NM_001407400.1, NM_001407380.1 and 3 more transcripts).
Identifiers: ClinVar variation 721568 (VCV000721568.30), dbSNP rs142418812, ClinGen allele CA2277358.